The following is an entry in ClinVar:

ClinVar aggregate classification (germline): Uncertain significance. Review status: criteria provided, multiple submitters, no conflicts (2 of 4 stars). 2 submissions from 2 submitters: Uncertain significance (2). Last evaluated 2020-11-06.

Conditions:
Hereditary cancer-predisposing syndrome. Also called: Hereditary neoplastic syndrome; Neoplastic Syndromes, Hereditary; Tumor predisposition; Hereditary Cancer Syndrome. Identifiers: Orphanet 140162, MedGen C0027672, MeSH D009386, MONDO:0015356.
Familial adenomatous polyposis 1 (FAP1). Also called: POLYPOSIS, ADENOMATOUS INTESTINAL; FAMILIAL ADENOMATOUS POLYPOSIS 1, ATTENUATED. Identifiers: MedGen C2713442, MONDO:0021056, OMIM 175100. Disease mechanism: loss of function.

Submissions (2):

Ambry Genetics
Classification: Uncertain significance for Hereditary cancer-predisposing syndrome. Last evaluated: 2020-11-06. Review status: criteria provided, single submitter. Criteria: Ambry Variant Classification Scheme 2023. Collection method: clinical testing. Allele origin: germline.
Comment: The p.G567R variant (also known as c.1699G>C), located in coding exon 13 of the APC gene, results from a G to C substitution at nucleotide position 1699. The glycine at codon 567 is replaced by arginine, an amino acid with dissimilar properties. This amino acid position is highly conserved in available vertebrate species. In addition, in silico predictors for this gene do not accurately predict pathogenicity. Since supporting evidence is limited at this time, the clinical significance of this alteration remains unclear.

Labcorp Genetics (formerly Invitae), Labcorp
Classification: Uncertain significance for Familial adenomatous polyposis 1. Last evaluated: 2019-04-07. Review status: criteria provided, single submitter. Criteria: Invitae Variant Classification Sherloc (09022015). Collection method: clinical testing. Allele origin: germline.
Comment: In summary, the available evidence is currently insufficient to determine the role of this variant in disease. Therefore, it has been classified as a Variant of Uncertain Significance. Algorithms developed to predict the effect of missense changes on protein structure and function (SIFT, PolyPhen-2, Align-GVGD) all suggest that this variant is likely to be tolerated, but these predictions have not been confirmed by published functional studies and their clinical significance is uncertain. This variant has not been reported in the literature in individuals with APC-related conditions. This variant is not present in population databases (ExAC no frequency). This sequence change replaces glycine with arginine at codon 567 of the APC protein (p.Gly567Arg). The glycine residue is highly conserved and there is a moderate physicochemical difference between glycine and arginine.

NM_000038.6(APC):c.1699G>C (p.Gly567Arg)

Gene: APC (APC regulator of Wnt signaling pathway; plus strand). Cytogenetic location: 5q22.2.
Variant type: single nucleotide variant.
Coding change: c.1699G>C on transcript NM_000038.6 (MANE Select); coding-DNA position 1699, G replaced by C.
Protein change: p.Gly567Arg; replaces glycine 567 with arginine.
Molecular consequence: missense variant.
Genome position (GRCh38, 1-based): chr5:112,828,928, G>C. VCF-style: chr5-112828928-G-C. GRCh37 (hg19) VCF-style: chr5-112164625-G-C.
Other names: c.1699G>C, p.Gly567Arg (NM_001127510.3, NM_001354895.2); c.1645G>C, p.Gly549Arg (NM_001127511.3); c.1753G>C, p.Gly585Arg (NM_001354896.2); c.1729G>C, p.Gly577Arg (NM_001354897.2); c.1624G>C, p.Gly542Arg (NM_001354898.2); c.1615G>C, p.Gly539Arg (NM_001354899.2); c.1576G>C, p.Gly526Arg (NM_001354900.2); c.1522G>C, p.Gly508Arg (NM_001354901.2); and 5 more; short protein forms G284R, G542R, G466R, G526R, G539R, G549R, G577R, G407R.
Identifiers: ClinVar variation 834945 (VCV000834945.13), dbSNP rs1764020936, ClinGen allele CA16025020.